The following is an entry in ClinVar:

ClinVar aggregate classification (germline): Likely benign (1 of 4 stars; one submission).

Allele frequency attached by ClinVar (database versions not stated): 1000 Genomes Project 0.00060; 1000 Genomes Project 30x 0.00094; ExAC 0.00099; ESP Exome Variant Server 0.00100; gnomAD exomes 0.00115; TOPMed 0.00116.
gnomAD v4.1: 1,829 of 1,612,638 alleles (0.11%); highest among the groups gnomAD compares: Admixed American, 0.21%; 3 homozygotes.

Submission:

CeGaT Center for Human Genetics Tuebingen
Classification: Likely benign. Last evaluated: 2022-12-01. Review status: criteria provided, single submitter. Criteria: CeGaT Center For Human Genetics Tuebingen Variant Classification Criteria Version 2. Collection method: clinical testing. Allele origin: germline. Affected: yes. Observed: 1 variant allele.
Comment: YTHDF1: BP4, BP7

NM_017798.4(YTHDF1):c.513C>T (p.Ser171=)

Gene: YTHDF1 (YTH N6-methyladenosine RNA binding protein F1; minus strand). Cytogenetic location: 20q13.33.
Variant type: single nucleotide variant.
Coding change: c.513C>T on transcript NM_017798.4 (MANE Select); coding-DNA position 513, C replaced by T.
Protein change: p.Ser171=; no amino-acid change (serine 171 retained).
Molecular consequence: synonymous variant.
Genome position (GRCh38, 1-based): chr20:63,203,427, G>A on the plus strand (C>T on the coding strand, the complement: YTHDF1 is on the minus strand). VCF-style: chr20-63203427-G-A. GRCh37 (hg19) VCF-style: chr20-61834779-G-A.
Identifiers: ClinVar variation 2652518 (VCV002652518.24), dbSNP rs147844381, ClinGen allele CA9953749.